The following is an entry in ClinVar:

ClinVar aggregate classification (germline): Pathogenic/Likely pathogenic. Review status: criteria provided, multiple submitters, no conflicts (2 of 4 stars). 2 submissions from 2 submitters: Pathogenic (1); Likely pathogenic (1). Last evaluated 2025-03-11.

Conditions:
Autosomal recessive limb-girdle muscular dystrophy type 2A (LGMDR1). Also called: Calpainopathy; Muscular dystrophy, limb-girdle, type 2A, Amish; LEYDEN-MOEBIUS MUSCULAR DYSTROPHY; MUSCULAR DYSTROPHY, PELVOFEMORAL; Limb-girdle muscular dystrophy, type 2A. Identifiers: Orphanet 267, MedGen C1869123, MONDO:0009675, OMIM 253600. Disease mechanism: loss of function.
Muscular dystrophy, limb-girdle, autosomal dominant 4. Also called: Calpain-3-related limb-girdle muscular dystrophy D4; MUSCULAR DYSTROPHY, LIMB-GIRDLE, TYPE 1I. Identifiers: Orphanet 565909, MedGen C4748295, MONDO:0029133, OMIM 618129.

Submissions (2):

Labcorp Genetics (formerly Invitae), Labcorp
Classification: Pathogenic for Autosomal recessive limb-girdle muscular dystrophy type 2A. Last evaluated: 2025-03-11. Review status: criteria provided, single submitter. Criteria: Invitae Variant Classification Sherloc (09022015). Collection method: clinical testing. Allele origin: germline.
Comment: This sequence change affects a donor splice site in intron 3 of the CAPN3 gene. It is expected to disrupt RNA splicing. Variants that disrupt the donor or acceptor splice site typically lead to a loss of protein function (PMID: 16199547), and loss-of-function variants in CAPN3 are known to be pathogenic (PMID: 10330340, 15689361). This variant is not present in population databases (gnomAD no frequency). Disruption of this splice site has been observed in individual(s) with clinical features of autosomal recessive limb-girdle muscular dystrophy (PMID: 35169782; internal data). In at least one individual the data is consistent with being in trans (on the opposite chromosome) from a pathogenic variant. ClinVar contains an entry for this variant (Variation ID: 2680387). Algorithms developed to predict the effect of sequence changes on RNA splicing suggest that this variant may disrupt the consensus splice site. For these reasons, this variant has been classified as Pathogenic.

Baylor Genetics
Classification: Likely pathogenic for Muscular dystrophy, limb-girdle, autosomal dominant 4. Last evaluated: 2023-03-08. Review status: criteria provided, single submitter. Criteria: ACMG Guidelines, 2015. Collection method: clinical testing. Allele origin: unknown.

Literature cited by the submitters: PubMed 16199547 (cited by Labcorp Genetics (formerly Invitae), Labcorp); PubMed 10330340 (cited by Labcorp Genetics (formerly Invitae), Labcorp); PubMed 15689361 (cited by Labcorp Genetics (formerly Invitae), Labcorp); PubMed 35169782 (cited by Labcorp Genetics (formerly Invitae), Labcorp).

NM_000070.3(CAPN3):c.498+2T>C

Genes: CAPN3 (calpain 3; plus strand), LOC126862115 (BRD4-independent group 4 enhancer GRCh37_chr15:42677734-42678933; plus strand). Cytogenetic location: 15q15.1.
Variant type: single nucleotide variant.
Coding change: c.498+2T>C on transcript NM_000070.3 (MANE Select); the canonical splice donor site of the intron after coding-DNA position 498, T replaced by C.
Molecular consequence: splice donor variant.
Genome position (GRCh38, 1-based): chr15:42,386,287, T>C. VCF-style: chr15-42386287-T-C. GRCh37 (hg19) VCF-style: chr15-42678485-T-C.
Other names: c.498+2T>C (NM_024344.2, NM_173087.2).
Identifiers: ClinVar variation 2680387 (VCV002680387.2), dbSNP rs2548255993, ClinGen allele CA391997729.
Genomic context (GRCh38, chr15:42,386,287, plus strand): 5'-GAGTCATACCCCATGATCAAAGTTTCATCGAAAACTACGCAGGGATCTTCCACTTCCAGG[T>C]GAGGTAATGAGAGTGTAGTTAAGAGGGCCAGCGGCAGGCCACCCACCGCTGGTCTCCTGG-3'